The following is an entry in ClinVar:

NC_000017.11:g.(?_43044295)_(43099880_?)del

Genes: BRCA1 (BRCA1 DNA repair associated; minus strand), LOC126862571 (BRD4-independent group 4 enhancer GRCh37_chr17:41243136-41244335; plus strand). Cytogenetic location: 17q21.31.
Variant type: Deletion.
Identifiers: ClinVar variation 417601 (VCV000417601.1).

ClinVar aggregate classification (germline): Pathogenic (1 of 4 stars; one submission).

Conditions:
Hereditary breast ovarian cancer syndrome. Also called: Breast and ovarian cancer; Hereditary breast and ovarian cancer; Hereditary breast and/or ovarian cancer syndrome; BRCA1- and BRCA2-Associated Hereditary Breast and Ovarian Cancer; Hereditary breast and ovarian cancer syndrome (HBOC); Hereditary breast and ovarian cancer syndrome. Identifiers: Orphanet 145, MedGen C0677776, MeSH D061325, MONDO:0003582. Disease mechanism: loss of function.

Submission:

Labcorp Genetics (formerly Invitae), Labcorp
Classification: Pathogenic for Hereditary breast ovarian cancer syndrome. Last evaluated: 2016-10-16. Review status: criteria provided, single submitter. Criteria: Invitae Variant Classification Sherloc (09022015). Collection method: clinical testing. Allele origin: germline.
Comment: This variant is a gross deletion of the genomic region encompassing exons 7-23 of the BRCA1 gene. The 5' boundary is likely confined to intron 6. The 3' end of this event is unknown as it extends through the termination codon beyond the assayed region for this gene and may encompass additional genes. While this deletion is not anticipated to result in nonsense mediated decay, it is expected to create a truncated BRCA1 protein. Loss-of-function variants in BRCA1 are known to be pathogenic. This particular variant has been reported in the literature in an individual with breast cancer (PMID: 16551709), and is referred to as a deletion of exons 8-24. For these reasons, this variant has been classified as Pathogenic.